The following is an entry in ClinVar:

NM_002890.3(RASA1):c.1607G>A (p.Gly536Asp)

Genes: CCNH (cyclin H; minus strand), RASA1 (RAS p21 protein activator 1; plus strand). Cytogenetic location: 5q14.3.
Variant type: single nucleotide variant.
Coding change: c.1607G>A on transcript NM_002890.3 (MANE Select); coding-DNA position 1607, G replaced by A.
Protein change: p.Gly536Asp; replaces glycine 536 with aspartic acid.
Molecular consequence: missense variant. On other transcripts: intron variant (1).
Genome position (GRCh38, 1-based): chr5:87,363,501, G>A. VCF-style: chr5-87363501-G-A. GRCh37 (hg19) VCF-style: chr5-86659318-G-A.
Other names: c.1076G>A, p.Gly359Asp (NM_022650.3); c.933+31543C>T (NM_001364075.2); short protein forms G359D, G536D.
Identifiers: ClinVar variation 4614812 (VCV004614812.1).
Genomic context (GRCh38, chr5:87,363,501, plus strand): 5'-CAAAAGGATTAATAGATCTCAGTGTATGTTCTGTCTATGTCGTTCATGATAGTCTCTTTG[G>A]CAGGTAAGAGACTGGTTTCCTATTTTTCTTTCGGAATTGTCTTAATAATAAAATAGTACA-3'
Protein context (NP_002881.1, residues 526-546): SVYVVHDSLF[Gly536Asp]RPNCFQIVVQ

ClinVar aggregate classification (germline): Uncertain significance (1 of 4 stars; one submission).

Conditions:
Cardiovascular phenotype. Identifiers: MedGen CN230736.

gnomAD v4.1: 1 of 1,610,466 alleles (0.000062%); highest among the groups gnomAD compares: Non-Finnish European, 0.000085%; no homozygotes.

Submission:

Ambry Genetics
Classification: Uncertain significance for Cardiovascular phenotype. Last evaluated: 2025-11-15. Review status: criteria provided, single submitter. Criteria: Ambry Variant Classification Scheme 2023. Collection method: clinical testing. Allele origin: germline.
Comment: The p.G536D variant (also known as c.1607G>A), located in coding exon 11 of the RASA1 gene, results from a G to A substitution at nucleotide position 1607. The glycine at codon 536 is replaced by aspartic acid, an amino acid with similar properties. This amino acid position is conserved. In addition, this alteration is predicted to be tolerated by in silico analysis. Based on the available evidence, the clinical significance of this variant remains unclear.